The following is an entry in ClinVar:

NM_000051.4(ATM):c.5935G>T (p.Glu1979Ter)

Genes: ATM (ATM serine/threonine kinase; plus strand), C11orf65 (chromosome 11 open reading frame 65; minus strand). Cytogenetic location: 11q22.3.
Variant type: single nucleotide variant.
Coding change: c.5935G>T on transcript NM_000051.4 (MANE Select); coding-DNA position 5935, G replaced by T.
Protein change: p.Glu1979Ter; replaces glutamic acid 1979 with a stop codon.
Molecular consequence: nonsense. On other transcripts: intron variant (2).
Genome position (GRCh38, 1-based): chr11:108,312,427, G>T. VCF-style: chr11-108312427-G-T. GRCh37 (hg19) VCF-style: chr11-108183154-G-T.
Other names: c.5935G>T, p.Glu1979Ter (NM_001351834.2); c.641-3356C>A (NM_001330368.2); c.*39-3356C>A (NM_001351110.2); short protein forms E1979*.
Identifiers: ClinVar variation 482725 (VCV000482725.14), dbSNP rs1555111763, ClinGen allele CA382548661.

ClinVar aggregate classification (germline): Pathogenic/Likely pathogenic. Review status: criteria provided, multiple submitters, no conflicts (2 of 4 stars). 3 submissions from 3 submitters: Pathogenic (2); Likely pathogenic (1). Last evaluated 2021-06-07.

Conditions:
Hereditary cancer-predisposing syndrome. Also called: Neoplastic Syndromes, Hereditary; Hereditary Cancer Syndrome; Tumor predisposition; Hereditary neoplastic syndrome. Identifiers: Orphanet 140162, MedGen C0027672, MeSH D009386, MONDO:0015356.
Familial cancer of breast. Also called: Hereditary breast cancer; BREAST CANCER, FAMILIAL; hereditary breast carcinoma. Identifiers: Orphanet 227535, MedGen C0346153, MONDO:0016419, OMIM 114480. Disease mechanism: loss of function.
Ataxia-telangiectasia syndrome (AT). Also called: LOUIS-BAR SYNDROME; Cerebello-oculocutaneous telangiectasia; Immunodeficiency with ataxia telangiectasia; Ataxia-telangiectasia, complementation group D; AT, COMPLEMENTATION GROUP C; Ataxia-telangiectasia, complementation group E. Identifiers: Orphanet 100, MedGen C0004135, MONDO:0008840, OMIM 208900.

Submissions (3):

Baylor Genetics
Classification: Likely pathogenic for Familial cancer of breast. Last evaluated: 2021-06-07. Review status: criteria provided, single submitter. Criteria: ACMG Guidelines, 2015. Collection method: clinical testing. Allele origin: unknown.

Labcorp Genetics (formerly Invitae), Labcorp
Classification: Pathogenic for Ataxia-telangiectasia syndrome. Last evaluated: 2019-11-20. Review status: criteria provided, single submitter. Criteria: Invitae Variant Classification Sherloc (09022015). Collection method: clinical testing. Allele origin: germline.
Comment: For these reasons, this variant has been classified as Pathogenic. Loss-of-function variants in ATM are known to be pathogenic (PMID: 23807571, 25614872). This variant has not been reported in the literature in individuals with ATM-related conditions. ClinVar contains an entry for this variant (Variation ID: 482725). This variant is not present in population databases (ExAC no frequency). This sequence change creates a premature translational stop signal (p.Glu1979*) in the ATM gene. It is expected to result in an absent or disrupted protein product.

Ambry Genetics
Classification: Pathogenic for Hereditary cancer-predisposing syndrome. Last evaluated: 2017-05-15. Review status: criteria provided, single submitter. Criteria: Ambry Variant Classification Scheme 2023. Collection method: clinical testing. Allele origin: germline.
Comment: The p.E1979* pathogenic mutation (also known as c.5935G>T), located in coding exon 39 of the ATM gene, results from a G to T substitution at nucleotide position 5935. This changes the amino acid from a glutamic acid to a stop codon within coding exon 39. This alteration is expected to result in loss of function by premature protein truncation or nonsense-mediated mRNA decay. As such, this alteration is interpreted as a disease-causing mutation.

Literature cited by the submitters: PubMed 23807571 (cited by Labcorp Genetics (formerly Invitae), Labcorp); PubMed 25614872 (cited by Labcorp Genetics (formerly Invitae), Labcorp).